The following is an entry in ClinVar:

ClinVar aggregate classification (germline): Likely benign (1 of 4 stars; one submission).

Allele frequency attached by ClinVar (database versions not stated): gnomAD 0.03236 and 0.03872; TOPMed 0.04022; 1000 Genomes Project 30x 0.08916; 1000 Genomes Project 0.09385.
gnomAD v4.1: 5,872 of 152,306 alleles (3.9%); highest among the groups gnomAD compares: East Asian, 25%; 292 homozygotes.

Submission:

GeneDx
Classification: Likely benign. Last evaluated: 2018-06-19. Review status: criteria provided, single submitter. Criteria: GeneDx Variant Classification (06012015). Collection method: clinical testing. Allele origin: germline. Affected: yes.
Comment: This variant is considered likely benign or benign based on one or more of the following criteria: it is a conservative change, it occurs at a poorly conserved position in the protein, it is predicted to be benign by multiple in silico algorithms, and/or has population frequency not consistent with disease.

NM_001330078.2(NRXN1):c.772+1392T>C

Gene: NRXN1 (neurexin 1; minus strand). Cytogenetic location: 2p16.3.
Variant type: single nucleotide variant.
Coding change: c.772+1392T>C on transcript NM_001330078.2 (MANE Select); 1392 bases into the intron after coding-DNA position 772, T replaced by C.
Molecular consequence: intron variant.
Genome position (GRCh38, 1-based): chr2:51,026,110, A>G on the plus strand (T>C on the coding strand, the complement: NRXN1 is on the minus strand). VCF-style: chr2-51026110-A-G. GRCh37 (hg19) VCF-style: chr2-51253248-A-G.
Other names: c.772+1392T>C (NM_001330096.2, NM_001330087.2, NM_001330083.2 and 14 more transcripts); c.871+261T>C (NM_001135659.3).
Identifiers: ClinVar variation 668815 (VCV000668815.1), dbSNP rs75809661, ClinGen allele CA48054698.